The following is an entry in ClinVar:

ClinVar aggregate classification (germline): Uncertain significance (1 of 4 stars; one submission).

Allele frequency attached by ClinVar (database versions not stated): ExAC 0.00002.
gnomAD v4.1: 5 of 1,614,122 alleles (0.00031%); highest among the groups gnomAD compares: Admixed American, 0.0083%; no homozygotes.

Submission:

Labcorp Genetics (formerly Invitae), Labcorp
Classification: Uncertain significance. Last evaluated: 2021-07-05. Review status: criteria provided, single submitter. Criteria: Invitae Variant Classification Sherloc (09022015). Collection method: clinical testing. Allele origin: germline.
Comment: This sequence change replaces glutamic acid with lysine at codon 270 of the LIPT1 protein (p.Glu270Lys). The glutamic acid residue is moderately conserved and there is a small physicochemical difference between glutamic acid and lysine. This variant is present in population databases (rs757567822, ExAC 0.03%). This variant has not been reported in the literature in individuals with LIPT1-related conditions. Algorithms developed to predict the effect of missense changes on protein structure and function (SIFT, PolyPhen-2, Align-GVGD) all suggest that this variant is likely to be tolerated, but these predictions have not been confirmed by published functional studies and their clinical significance is uncertain. In summary, the available evidence is currently insufficient to determine the role of this variant in disease. Therefore, it has been classified as a Variant of Uncertain Significance.

NM_145199.3(LIPT1):c.808G>A (p.Glu270Lys)

Genes: MITD1 (microtubule interacting and trafficking domain containing 1; minus strand), LIPT1 (lipoyltransferase 1; plus strand). Cytogenetic location: 2q11.2.
Variant type: single nucleotide variant.
Coding change: c.808G>A on transcript NM_145199.3 (MANE Select); coding-DNA position 808, G replaced by A.
Protein change: p.Glu270Lys; replaces glutamic acid 270 with lysine.
Molecular consequence: missense variant. On other transcripts: non-coding transcript variant (2).
Genome position (GRCh38, 1-based): chr2:99,162,765, G>A. VCF-style: chr2-99162765-G-A. GRCh37 (hg19) VCF-style: chr2-99779228-G-A.
Other names: c.808G>A, p.Glu270Lys (NM_001204830.2, NM_015929.4, NM_145197.3 and 1 more transcripts); short protein forms E270K.
Identifiers: ClinVar variation 1423162 (VCV001423162.8), dbSNP rs757567822, ClinGen allele CA1797380.